The following is an entry in ClinVar:

ClinVar aggregate classification (germline): Uncertain significance (1 of 4 stars; one submission).

Conditions:
Familial adenomatous polyposis 1 (FAP1). Also called: FAMILIAL ADENOMATOUS POLYPOSIS 1, ATTENUATED; POLYPOSIS, ADENOMATOUS INTESTINAL. Identifiers: MedGen C2713442, MONDO:0021056, OMIM 175100. Disease mechanism: loss of function.

Allele frequency attached by ClinVar (database versions not stated): TOPMed 0.00003.

Submission:

Labcorp Genetics (formerly Invitae), Labcorp
Classification: Uncertain significance for Familial adenomatous polyposis 1. Last evaluated: 2021-12-24. Review status: criteria provided, single submitter. Criteria: Invitae Variant Classification Sherloc (09022015). Collection method: clinical testing. Allele origin: germline.
Comment: In summary, the available evidence is currently insufficient to determine the role of this variant in disease. Therefore, it has been classified as a Variant of Uncertain Significance. Experimental studies and prediction algorithms are not available or were not evaluated, and the functional significance of this variant is currently unknown. ClinVar contains an entry for this variant (Variation ID: 537643). This variant has not been reported in the literature in individuals affected with APC-related conditions. This variant is not present in population databases (gnomAD no frequency). This variant occurs in a non-coding region of the APC gene. It does not change the encoded amino acid sequence of the APC protein.

NC_000005.10:g.112707404T>A

Gene: APC (APC regulator of Wnt signaling pathway; plus strand). Cytogenetic location: 5q22.2.
Variant type: single nucleotide variant.
Genome position: GRCh38 VCF-style: chr5-112707404-T-A. GRCh37 (hg19) VCF-style: chr5-112043101-T-A.
Identifiers: ClinVar variation 537643 (VCV000537643.9), dbSNP rs1248905809, ClinGen allele CA658796591.